The following is an entry in ClinVar:

ClinVar aggregate classification (germline): Uncertain significance (1 of 4 stars; one submission).

Conditions:
Catecholaminergic polymorphic ventricular tachycardia 1. Also called: VENTRICULAR TACHYCARDIA, CATECHOLAMINERGIC POLYMORPHIC, 1, WITH OR WITHOUT ATRIAL DYSFUNCTION AND/OR DILATED CARDIOMYOPATHY; RYR2-Related Catecholaminergic Polymorphic Ventricular Tachycardia; VENTRICULAR TACHYCARDIA, STRESS-INDUCED POLYMORPHIC 1. Identifiers: Orphanet 3286, MedGen C1631597, MONDO:0011484, OMIM 604772.

gnomAD v4.1: 1 of 1,613,234 alleles (0.000062%); no homozygotes.

Submission:

Labcorp Genetics (formerly Invitae), Labcorp
Classification: Uncertain significance for Catecholaminergic polymorphic ventricular tachycardia 1. Last evaluated: 2020-05-21. Review status: criteria provided, single submitter. Criteria: Invitae Variant Classification Sherloc (09022015). Collection method: clinical testing. Allele origin: germline.
Comment: In summary, the available evidence is currently insufficient to determine the role of this variant in disease. Therefore, it has been classified as a Variant of Uncertain Significance. Algorithms developed to predict the effect of missense changes on protein structure and function (SIFT, PolyPhen-2, Align-GVGD) all suggest that this variant is likely to be disruptive, but these predictions have not been confirmed by published functional studies and their clinical significance is uncertain. This variant has not been reported in the literature in individuals with RYR2-related conditions. This variant is not present in population databases (ExAC no frequency). This sequence change replaces glycine with glutamic acid at codon 3477 of the RYR2 protein (p.Gly3477Glu). The glycine residue is highly conserved and there is a moderate physicochemical difference between glycine and glutamic acid.

NM_001035.3(RYR2):c.10430G>A (p.Gly3477Glu)

Gene: RYR2 (ryanodine receptor 2; plus strand). Cytogenetic location: 1q43.
Variant type: single nucleotide variant.
Coding change: c.10430G>A on transcript NM_001035.3 (MANE Select); coding-DNA position 10430, G replaced by A.
Protein change: p.Gly3477Glu; replaces glycine 3477 with glutamic acid.
Molecular consequence: missense variant.
Genome position (GRCh38, 1-based): chr1:237,717,304, G>A. VCF-style: chr1-237717304-G-A. GRCh37 (hg19) VCF-style: chr1-237880604-G-A.
Other names: short protein forms G3477E.
Identifiers: ClinVar variation 1062451 (VCV001062451.10), dbSNP rs1468634766, ClinGen allele CA345414610.